The following is an entry in ClinVar:

NM_003200.5(TCF3):c.499+6C>T

Gene: TCF3 (transcription factor 3; minus strand). Cytogenetic location: 19p13.3.
Variant type: single nucleotide variant.
Coding change: c.499+6C>T on transcript NM_003200.5 (MANE Select); 6 bases into the intron after coding-DNA position 499, C replaced by T.
Molecular consequence: intron variant.
Genome position (GRCh38, 1-based): chr19:1,625,570, G>A on the plus strand (C>T on the coding strand, the complement: TCF3 is on the minus strand). VCF-style: chr19-1625570-G-A. GRCh37 (hg19) VCF-style: chr19-1625569-G-A.
Other names: c.499+6C>T (NM_001351778.2, NM_001136139.4, NM_001351779.2).
Identifiers: ClinVar variation 1493785 (VCV001493785.6), dbSNP rs762260573, ClinGen allele CA9050380.

ClinVar aggregate classification (germline): Uncertain significance (1 of 4 stars; one submission).

Allele frequency attached by ClinVar (database versions not stated): gnomAD 0.00001; gnomAD exomes 0.00003; TOPMed 0.00005; ExAC 0.00006.
gnomAD v4.1: 19 of 1,576,678 alleles (0.0012%); highest among the groups gnomAD compares: East Asian, 0.02%; no homozygotes.

Submission:

Labcorp Genetics (formerly Invitae), Labcorp
Classification: Uncertain significance. Last evaluated: 2025-08-23. Review status: criteria provided, single submitter. Criteria: Invitae Variant Classification Sherloc (09022015). Collection method: clinical testing. Allele origin: germline.
Comment: This sequence change falls in intron 7 of the TCF3 gene. It does not directly change the encoded amino acid sequence of the TCF3 protein. It affects a nucleotide within the consensus splice site. The frequency data for this variant in the population databases is considered unreliable, as metrics indicate poor data quality at this position in the gnomAD database. This variant has not been reported in the literature in individuals affected with TCF3-related conditions. ClinVar contains an entry for this variant (Variation ID: 1493785). Variants that disrupt the consensus splice site are a relatively common cause of aberrant splicing (PMID: 17576681, 9536098). Algorithms developed to predict the effect of sequence changes on RNA splicing suggest that this variant is not likely to affect RNA splicing. In summary, the available evidence is currently insufficient to determine the role of this variant in disease. Therefore, it has been classified as a Variant of Uncertain Significance.

Literature cited by the submitters: PubMed 17576681; PubMed 9536098.